The following is an entry in ClinVar:

ClinVar aggregate classification (germline): Pathogenic (1 of 4 stars; one submission).

Submission:

Labcorp Genetics (formerly Invitae), Labcorp
Classification: Pathogenic. Last evaluated: 2023-07-27. Review status: criteria provided, single submitter. Criteria: Invitae Variant Classification Sherloc (09022015). Collection method: clinical testing. Allele origin: germline.
Comment: For these reasons, this variant has been classified as Pathogenic. This sequence change creates a premature translational stop signal (p.Pro99Glyfs*6) in the PHEX gene. It is expected to result in an absent or disrupted protein product. Loss-of-function variants in PHEX are known to be pathogenic (PMID: 9097956, 9106524, 19219621). This variant is not present in population databases (gnomAD no frequency). This variant has not been reported in the literature in individuals affected with PHEX-related conditions.

Literature cited by the submitters: PubMed 9097956; PubMed 9106524; PubMed 19219621.

NM_000444.6(PHEX):c.295_304del (p.Pro99fs)

Gene: PHEX (phosphate regulating endopeptidase X-linked; plus strand). Cytogenetic location: Xp22.11.
Variant type: Deletion.
Coding change: c.295_304del on transcript NM_000444.6 (MANE Select); coding-DNA positions 295 to 304, 10 bases deleted (CCAAGCTATG; older notation c.295_304delCCAAGCTATG).
Protein change: p.Pro99fs; shifts the reading frame from proline 99.
Molecular consequence: frameshift variant.
Genome position (GRCh38, 1-based): chrX:22,047,157-22,047,166, CCAAGCTATG deleted; deleting any 10 consecutive bases within chrX:22,047,153-22,047,166 gives the same sequence; the c. name uses the placement nearest the transcript's 3' end. VCF-style (leftmost placement, unchanged base first): chrX-22047152-ATATGCCAAGC-A. GRCh37 (hg19) VCF-style: chrX-22065270-ATATGCCAAGC-A.
Other names: c.295_304del, p.Pro99fs (NM_001282754.2); short protein forms P99fs.
Identifiers: ClinVar variation 2747498 (VCV002747498.3), dbSNP rs2519722485, ClinGen allele CA2697552893.
Genomic context (GRCh38, chrX:22,047,152, plus strand): 5'-GTGATAATTTCTTCCGGTTCGCTTGTGATGGCTGGATAAGCAATAATCCAATTCCCGAAG[ATATGCCAAGC>A]TATGGGGTTTATCCTTGGCTGAGACATAATGTTGACCTCAAGTTGAAGGGTAAGTTTCTA-3'